The following is an entry in ClinVar:

NM_001128840.3(CACNA1D):c.2020G>A (p.Gly674Ser)

Gene: CACNA1D (calcium voltage-gated channel subunit alpha1 D; plus strand). Cytogenetic location: 3p21.1.
Variant type: single nucleotide variant.
Coding change: c.2020G>A on transcript NM_001128840.3 (MANE Select); coding-DNA position 2020, G replaced by A.
Protein change: p.Gly674Ser; replaces glycine 674 with serine.
Molecular consequence: missense variant.
Genome position (GRCh38, 1-based): chr3:53,723,919, G>A. VCF-style: chr3-53723919-G-A. GRCh37 (hg19) VCF-style: chr3-53757946-G-A.
Other names: c.2080G>A, p.Gly694Ser (NM_000720.4); c.2020G>A, p.Gly674Ser (NM_001128839.3); short protein forms G694S, G674S.
Identifiers: ClinVar variation 3683538 (VCV003683538.2).

ClinVar aggregate classification (germline): Uncertain significance (1 of 4 stars; one submission).

gnomAD v4.1: 3 of 1,614,088 alleles (0.00019%); highest among the groups gnomAD compares: South Asian, 0.0011%; no homozygotes.

Submission:

Labcorp Genetics (formerly Invitae), Labcorp
Classification: Uncertain significance. Last evaluated: 2025-10-20. Review status: criteria provided, single submitter. Criteria: Invitae Variant Classification Sherloc (09022015). Collection method: clinical testing. Allele origin: germline.
Comment: This sequence change replaces glycine, which is neutral and non-polar, with serine, which is neutral and polar, at codon 694 of the CACNA1D protein (p.Gly694Ser). This variant is present in population databases (no rsID available, gnomAD 0.01%). This variant has not been reported in the literature in individuals affected with CACNA1D-related conditions. ClinVar contains an entry for this variant (Variation ID: 3683538). Invitae Evidence Modeling of protein sequence and biophysical properties (such as structural, functional, and spatial information, amino acid conservation, physicochemical variation, residue mobility, and thermodynamic stability) indicates that this missense variant is expected to disrupt CACNA1D protein function with a positive predictive value of 80%. In summary, the available evidence is currently insufficient to determine the role of this variant in disease. Therefore, it has been classified as a Variant of Uncertain Significance.